The following is an entry in ClinVar:

ClinVar aggregate classification (germline): Uncertain significance (1 of 4 stars; one submission).

Conditions:
Adenylosuccinate lyase deficiency (ADSLD). Also called: ADSL DEFICIENCY. Identifiers: Orphanet 46, MedGen C0268126, MONDO:0007068, OMIM 103050.

gnomAD v4.1: 1 of 1,614,162 alleles (0.000062%); highest among the groups gnomAD compares: Non-Finnish European, 0.000085%; no homozygotes.

Submission:

Labcorp Genetics (formerly Invitae), Labcorp
Classification: Uncertain significance for Adenylosuccinate lyase deficiency. Last evaluated: 2020-02-14. Review status: criteria provided, single submitter. Criteria: Invitae Variant Classification Sherloc (09022015). Collection method: clinical testing. Allele origin: germline.
Comment: This sequence change replaces alanine with valine at codon 273 of the ADSL protein (p.Ala273Val). The alanine residue is highly conserved and there is a small physicochemical difference between alanine and valine. This variant is not present in population databases (ExAC no frequency). This variant has not been reported in the literature in individuals with ADSL-related conditions. Algorithms developed to predict the effect of missense changes on protein structure and function are either unavailable or do not agree on the potential impact of this missense change (SIFT: "Deleterious"; PolyPhen-2: "Probably Damaging"; Align-GVGD: "Class C0"). Algorithms developed to predict the effect of sequence changes on RNA splicing suggest that this variant may create or strengthen a splice site, but this prediction has not been confirmed by published transcriptional studies. In summary, the available evidence is currently insufficient to determine the role of this variant in disease. Therefore, it has been classified as a Variant of Uncertain Significance.

NM_000026.4(ADSL):c.818C>T (p.Ala273Val)

Gene: ADSL (adenylosuccinate lyase; plus strand). Cytogenetic location: 22q13.1.
Variant type: single nucleotide variant.
Coding change: c.818C>T on transcript NM_000026.4 (MANE Select); coding-DNA position 818, C replaced by T.
Protein change: p.Ala273Val; replaces alanine 273 with valine.
Molecular consequence: missense variant. On other transcripts: non-coding transcript variant (1).
Genome position (GRCh38, 1-based): chr22:40,361,298, C>T. VCF-style: chr22-40361298-C-T. GRCh37 (hg19) VCF-style: chr22-40757302-C-T.
Other names: c.818C>T, p.Ala273Val (NM_001123378.3, NM_001363840.3); c.626C>T, p.Ala209Val (NM_001317923.2); short protein forms A209V, A273V.
Identifiers: ClinVar variation 1035276 (VCV001035276.9), dbSNP rs962521087, ClinGen allele CA411643542.